The following is an entry in ClinVar:

NM_000310.4(PPT1):c.84C>G (p.Asp28Glu)

Gene: PPT1 (palmitoyl-protein thioesterase 1; minus strand). Cytogenetic location: 1p34.2.
Variant type: single nucleotide variant.
Coding change: c.84C>G on transcript NM_000310.4 (MANE Select); coding-DNA position 84, C replaced by G.
Protein change: p.Asp28Glu; replaces aspartic acid 28 with glutamic acid.
Molecular consequence: missense variant.
Genome position (GRCh38, 1-based): chr1:40,097,155, G>C on the plus strand (C>G on the coding strand, the complement: PPT1 is on the minus strand). VCF-style: chr1-40097155-G-C. GRCh37 (hg19) VCF-style: chr1-40562827-G-C.
Other names: c.84C>G, p.Asp28Glu (NM_001142604.2, NM_001363695.2); short protein forms D28E.
Identifiers: ClinVar variation 848465 (VCV000848465.11), dbSNP rs1228014012, ClinGen allele CA339850730.

ClinVar aggregate classification (germline): Uncertain significance. Review status: criteria provided, single submitter (1 of 4 stars). 2 submissions from 2 submitters: Uncertain significance (1). 1 of the submissions does not count toward it. Last evaluated 2022-09-07.

Conditions:
Neuronal ceroid lipofuscinosis 1 (CLN1). Also called: CEROID LIPOFUSCINOSIS, NEURONAL, 1, VARIABLE AGE AT ONSET; PPT1-Related Neuronal Ceroid-Lipofuscinosis. Identifiers: Orphanet 228329, MedGen C1850451, MONDO:0009744, OMIM 256730.

Allele frequency attached by ClinVar (database versions not stated): gnomAD exomes below 0.00001; TOPMed below 0.00001.
gnomAD v4.1: 2 of 1,614,102 alleles (0.00012%); highest among the groups gnomAD compares: Non-Finnish European, 0.00017%; no homozygotes.

Submissions (2):

Labcorp Genetics (formerly Invitae), Labcorp
Classification: Uncertain significance for Neuronal ceroid lipofuscinosis 1. Last evaluated: 2022-09-07. Review status: criteria provided, single submitter. Criteria: Invitae Variant Classification Sherloc (09022015). Collection method: clinical testing. Allele origin: germline.
Comment: In summary, the available evidence is currently insufficient to determine the role of this variant in disease. Therefore, it has been classified as a Variant of Uncertain Significance. Advanced modeling of protein sequence and biophysical properties (such as structural, functional, and spatial information, amino acid conservation, physicochemical variation, residue mobility, and thermodynamic stability) performed at Invitae indicates that this missense variant is not expected to disrupt PPT1 protein function. ClinVar contains an entry for this variant (Variation ID: 848465). This variant has not been reported in the literature in individuals affected with PPT1-related conditions. This variant is present in population databases (no rsID available, gnomAD 0.0009%). This sequence change replaces aspartic acid, which is acidic and polar, with glutamic acid, which is acidic and polar, at codon 28 of the PPT1 protein (p.Asp28Glu).

Natera, Inc.
Classification: Uncertain significance for Neuronal ceroid lipofuscinosis 1. Last evaluated: 2020-10-13. Review status: no assertion criteria provided. Collection method: clinical testing. Allele origin: germline. Not counted in ClinVar's aggregate classification.